The following is an entry in ClinVar:

NM_198578.4(LRRK2):c.4302G>T (p.Trp1434Cys)

Gene: LRRK2 (leucine rich repeat kinase 2; plus strand). Cytogenetic location: 12q12.
Variant type: single nucleotide variant.
Coding change: c.4302G>T on transcript NM_198578.4 (MANE Select); coding-DNA position 4302, G replaced by T.
Protein change: p.Trp1434Cys; replaces tryptophan 1434 with cysteine.
Molecular consequence: missense variant.
Genome position (GRCh38, 1-based): chr12:40,309,218, G>T. VCF-style: chr12-40309218-G-T. GRCh37 (hg19) VCF-style: chr12-40703020-G-T.
Other names: short protein forms W1434C.
Identifiers: ClinVar variation 2587274 (VCV002587274.2), dbSNP rs781020785, ClinGen allele CA235357362.

ClinVar aggregate classification (germline): Uncertain significance (1 of 4 stars; one submission).

Conditions:
Inborn genetic diseases. Identifiers: MedGen C0950123, MeSH D030342.

gnomAD v4.1: 4 of 1,613,542 alleles (0.00025%); highest among the groups gnomAD compares: Non-Finnish European, 0.00034%; no homozygotes.

Submission:

Ambry Genetics
Classification: Uncertain significance for Inborn genetic diseases. Last evaluated: 2023-07-29. Review status: criteria provided, single submitter. Criteria: Ambry Variant Classification Scheme 2023. Collection method: clinical testing. Allele origin: germline.
Comment: The p.W1434C variant (also known as c.4302G>T), located in coding exon 30 of the LRRK2 gene, results from a G to T substitution at nucleotide position 4302. The tryptophan at codon 1434 is replaced by cysteine, an amino acid with highly dissimilar properties. This amino acid position is conserved. In addition, this alteration is predicted to be deleterious by in silico analysis. Since supporting evidence is limited at this time, the clinical significance of this alteration remains unclear.